The following is an entry in ClinVar:

NM_000535.7(PMS2):c.538-2A>T

Gene: PMS2 (PMS1 homolog 2, mismatch repair system component; minus strand). Cytogenetic location: 7p22.1.
Variant type: single nucleotide variant.
Coding change: c.538-2A>T on transcript NM_000535.7 (MANE Select); the canonical splice acceptor site of the intron before coding-DNA position 538, A replaced by T.
Molecular consequence: splice acceptor variant. On other transcripts: intron variant (9).
Genome position (GRCh38, 1-based): chr7:5,999,277, T>A on the plus strand (A>T on the coding strand, the complement: PMS2 is on the minus strand). VCF-style: chr7-5999277-T-A. GRCh37 (hg19) VCF-style: chr7-6038908-T-A.
Other names: c.220-2A>T (NM_001322008.2, NM_001406902.1, NM_001406883.1 and 4 more transcripts); c.229-2A>T (NM_001406881.1, NM_001406879.1, NM_001322015.2 and 6 more transcripts); c.133-2A>T (NM_001406895.1, NM_001322010.2, NM_001322004.2 and 21 more transcripts); c.132+3176A>T (NM_001406911.1); c.133-1854A>T (NM_001322013.2, NM_001406909.1); c.-347-51A>T (NM_001322012.2, NM_001322011.2); c.251-51A>T (NM_001406885.1); c.537+3176A>T (NM_001406886.1); and 4 more.
Identifiers: ClinVar variation 2573263 (VCV002573263.1), dbSNP rs758304323, ClinGen allele CA366744140.

ClinVar aggregate classification (germline): Likely pathogenic (1 of 4 stars; one submission).

Conditions:
Lynch syndrome 4 (LYNCH4). Also called: Colorectal cancer, hereditary nonpolyposis, type 4; Hereditary non-polyposis colorectal cancer, type 4. Identifiers: Orphanet 144, MedGen C1838333, MONDO:0013699, OMIM 614337. Disease mechanism: loss of function.

Submission:

Myriad Genetics, Inc.
Classification: Likely pathogenic for Lynch syndrome 4. Last evaluated: 2023-02-07. Review status: criteria provided, single submitter. Criteria: Myriad Autosomal Dominant, Autosomal Recessive and X-Linked Classification Criteria (2023). Collection method: clinical testing. Allele origin: unknown.
Comment: This variant is considered likely pathogenic. This variant occurs within a consensus splice junction and is predicted to result in abnormal mRNA splicing of either an out-of-frame exon or an in-frame exon necessary for protein stability and/or normal function.